The following is an entry in ClinVar:

NM_005802.5(TOPORS):c.3+2T>C

Genes: TOPORS (TOP1 binding arginine/serine rich protein, E3 ubiquitin ligase; minus strand), TZMP1 (transition zone microprotein 1; plus strand). Cytogenetic location: 9p21.1.
Variant type: single nucleotide variant.
Coding change: c.3+2T>C on transcript NM_005802.5 (MANE Select); the canonical splice donor site of the intron after coding-DNA position 3, T replaced by C.
Molecular consequence: splice donor variant. On other transcripts: 5 prime UTR variant (3), non-coding transcript variant (2).
Genome position (GRCh38, 1-based): chr9:32,552,432, A>G on the plus strand (T>C on the coding strand, the complement: TOPORS is on the minus strand). VCF-style: chr9-32552432-A-G. GRCh37 (hg19) VCF-style: chr9-32552430-A-G.
Other names: c.-3A>G (NM_001349118.1, NM_001349119.2, NM_001387564.1); c.3+2T>C (NM_001195622.2).
Identifiers: ClinVar variation 2793958 (VCV002793958.3), dbSNP rs969010725, ClinGen allele CA192367402.

ClinVar aggregate classification (germline): Uncertain significance (1 of 4 stars; one submission).

Allele frequency attached by ClinVar (database versions not stated): gnomAD 0.00001; TOPMed 0.00001.
gnomAD v4.1: 2 of 1,609,178 alleles (0.00012%); highest among the groups gnomAD compares: Non-Finnish European, 0.00017%; no homozygotes.

Submission:

Labcorp Genetics (formerly Invitae), Labcorp
Classification: Uncertain significance. Last evaluated: 2023-11-28. Review status: criteria provided, single submitter. Criteria: Invitae Variant Classification Sherloc (09022015). Collection method: clinical testing. Allele origin: germline.
Comment: This sequence change affects a donor splice site in intron 1 of the TOPORS gene. It is expected to disrupt RNA splicing. Variants that disrupt the donor or acceptor splice site typically lead to a loss of protein function (PMID: 16199547), however the current clinical and genetic evidence is not sufficient to establish whether loss-of-function variants in TOPORS cause disease. This variant is not present in population databases (gnomAD no frequency). This variant has not been reported in the literature in individuals affected with TOPORS-related conditions. Algorithms developed to predict the effect of sequence changes on RNA splicing suggest that this variant may disrupt the consensus splice site. In summary, the available evidence is currently insufficient to determine the role of this variant in disease. Therefore, it has been classified as a Variant of Uncertain Significance.

Literature cited by the submitters: PubMed 16199547.